The following is an entry in ClinVar:

ClinVar aggregate classification (germline): Likely pathogenic (1 of 4 stars; one submission).

Submission:

Dasa
Classification: Likely pathogenic. Last evaluated: 2025-09-04. Review status: criteria provided, single submitter. Criteria: DASA Assertion Criteria. Collection method: clinical testing. Allele origin: germline.
Comment: NM_032520.5(GNPTG):c.560_566del (p.Gln187Profs*3) is a frameshift variant in GNPTG predicted to alter the reading frame and introduce a premature termination codon and is predicted to result in an absent or altered protein product. Loss of function is an established disease mechanism for GNPTG-associated disorders. Also, this variant is absent from population databases. Based on the currently available evidence, this variant is classified as likely pathogenic.

NM_032520.5(GNPTG):c.560_566del (p.Gln187fs)

Gene: GNPTG (N-acetylglucosamine-1-phosphate transferase subunit gamma; plus strand). Cytogenetic location: 16p13.3.
Variant type: Deletion.
Coding change: c.560_566del on transcript NM_032520.5 (MANE Select); coding-DNA positions 560 to 566, 7 bases deleted (AGTGGGA; older notation c.560_566delAGTGGGA).
Protein change: p.Gln187fs; shifts the reading frame from glutamine 187.
Molecular consequence: frameshift variant.
Genome position (GRCh38, 1-based): chr16:1,362,485-1,362,491, AGTGGGA deleted. VCF-style (leftmost placement, unchanged base first): chr16-1362484-CAGTGGGA-C. GRCh37 (hg19) VCF-style: chr16-1412485-CAGTGGGA-C.
Other names: short protein forms Q187fs.
Identifiers: ClinVar variation 4880769 (VCV004880769.2).